The following is an entry in ClinVar:

NM_032043.3(BRIP1):c.2225A>T (p.Tyr742Phe)

Gene: BRIP1 (BRCA1 interacting DNA helicase 1; minus strand). Cytogenetic location: 17q23.2.
Variant type: single nucleotide variant.
Coding change: c.2225A>T on transcript NM_032043.3 (MANE Select); coding-DNA position 2225, A replaced by T.
Protein change: p.Tyr742Phe; replaces tyrosine 742 with phenylalanine.
Molecular consequence: missense variant.
Genome position (GRCh38, 1-based): chr17:61,744,464, T>A on the plus strand (A>T on the coding strand, the complement: BRIP1 is on the minus strand). VCF-style: chr17-61744464-T-A. GRCh37 (hg19) VCF-style: chr17-59821825-T-A.
Other names: short protein forms Y742F.
Identifiers: ClinVar variation 481657 (VCV000481657.11), dbSNP rs1555591351, ClinGen allele CA400482922.

ClinVar aggregate classification (germline): Uncertain significance. Review status: criteria provided, multiple submitters, no conflicts (2 of 4 stars). 2 submissions from 2 submitters: Uncertain significance (2). Last evaluated 2025-02-28.

Conditions:
Hereditary cancer-predisposing syndrome. Also called: Neoplastic Syndromes, Hereditary; Tumor predisposition; Hereditary Cancer Syndrome; Hereditary neoplastic syndrome. Identifiers: Orphanet 140162, MedGen C0027672, MeSH D009386, MONDO:0015356.

Submissions (2):

Ambry Genetics
Classification: Uncertain significance for Hereditary cancer-predisposing syndrome. Last evaluated: 2025-02-28. Review status: criteria provided, single submitter. Criteria: Ambry Variant Classification Scheme 2023. Collection method: clinical testing. Allele origin: germline.
Comment: The p.Y742F variant (also known as c.2225A>T), located in coding exon 14 of the BRIP1 gene, results from an A to T substitution at nucleotide position 2225. The tyrosine at codon 742 is replaced by phenylalanine, an amino acid with highly similar properties. This amino acid position is well conserved in available vertebrate species. In addition, the in silico prediction for this alteration is inconclusive.Since supporting evidence is limited at this time, the clinical significance of this alteration remains unclear.

Color Diagnostics, LLC DBA Color Health
Classification: Uncertain significance for Hereditary cancer-predisposing syndrome. Last evaluated: 2023-12-05. Review status: criteria provided, single submitter. Criteria: ACMG Guidelines, 2015. Collection method: clinical testing. Allele origin: germline.
Comment: This missense variant replaces tyrosine with phenylalanine at codon 742 of the BRIP1 protein. Computational prediction suggests that this variant may have deleterious impact on protein structure and function (internally defined REVEL score threshold >= 0.7, PMID: 27666373). To our knowledge, functional studies have not been reported for this variant. This variant has not been reported in individuals affected with BRIP1-related disorders in the literature. This variant has not been identified in the general population by the Genome Aggregation Database (gnomAD). The available evidence is insufficient to determine the role of this variant in disease conclusively. Therefore, this variant is classified as a Variant of Uncertain Significance.